The following is an entry in ClinVar:

ClinVar aggregate classification (germline): Uncertain significance (1 of 4 stars; one submission).

Submission:

GeneDx
Classification: Uncertain significance. Last evaluated: 2022-02-16. Review status: criteria provided, single submitter. Criteria: GeneDx Variant Classification Process June 2021. Collection method: clinical testing. Allele origin: germline. Affected: yes.
Comment: Not observed at significant frequency in large population cohorts (gnomAD); In silico analysis supports that this variant does not alter splicing; Has not been previously published as pathogenic or benign to our knowledge

NM_003070.5(SMARCA2):c.1936-12T>A

Gene: SMARCA2 (SWI/SNF related, matrix associated, actin dependent regulator of chromatin, subfamily a, member 2; plus strand). Cytogenetic location: 9p24.3.
Variant type: single nucleotide variant.
Coding change: c.1936-12T>A on transcript NM_003070.5 (MANE Select); 12 bases into the intron before coding-DNA position 1936, T replaced by A.
Molecular consequence: intron variant.
Genome position (GRCh38, 1-based): chr9:2,076,217, T>A. VCF-style: chr9-2076217-T-A. GRCh37 (hg19) VCF-style: chr9-2076217-T-A.
Other names: c.1936-12T>A (NM_139045.4, NM_001289397.2, NM_001289396.2).
Identifiers: ClinVar variation 1702620 (VCV001702620.2), dbSNP rs2130439407, ClinGen allele CA2580080191.
Genomic context (GRCh38, chr9:2,076,217, plus strand): 5'-TTCAGAAAATGTCAATCATAGAGATTTCCTTGTTAAAATATAATTTCCTCCCTATCTTTG[T>A]TCCTTTTCCAGGATGAGGAAGAAGAGTCCAGTAGGCAGGAAACCGAAGAGAAAATACTCC-3'